The following is an entry in ClinVar:

ClinVar aggregate classification (germline): Uncertain significance (1 of 4 stars; one submission).

Submission:

Biesecker Lab/Clinical Genomics Section, National Institutes of Health
Classification: Uncertain significance. Last evaluated: 2013-06-24. Review status: criteria provided, single submitter. Criteria: Ng et al. (Circ Cardiovasc Genet. 2013). Collection method: research. Allele origin: unknown. Observed: 1 variant allele. Study: ClinSeq.
Comment: The study set was not selected for affection status in relation to any cancer. Pathogenicity categories were based on literature curation. See Pubmed ID:23861362 for details.

Medical sequencing

NM_001267550.2(TTN):c.107215A>C (p.Asn35739His)

Genes: TTN (titin; minus strand), TTN-AS1 (TTN antisense RNA 1; plus strand). Cytogenetic location: 2q31.2.
Variant type: single nucleotide variant.
Coding change: c.107215A>C on transcript NM_001267550.2 (MANE Select); coding-DNA position 107215, A replaced by C.
Protein change: p.Asn35739His; replaces asparagine 35739 with histidine.
Molecular consequence: missense variant.
Genome position (GRCh38, 1-based): chr2:178,528,536, T>G on the plus strand (A>C on the coding strand, the complement: TTN is on the minus strand). VCF-style: chr2-178528536-T-G. GRCh37 (hg19) VCF-style: chr2-179393263-T-G.
Other names: c.102292A>C, p.Asn34098His (NM_001256850.1); c.80020A>C, p.Asn26674His (NM_003319.4); c.99511A>C, p.Asn33171His (NM_133378.4); c.80395A>C, p.Asn26799His (NM_133432.3); c.80596A>C, p.Asn26866His (NM_133437.4); short protein forms N33171H, N35739H, N34098H, N26674H, N26799H, N26866H.
Identifiers: ClinVar variation 191805 (VCV000191805.1), dbSNP rs786205327, ClinGen allele CA237593.